The following is an entry in ClinVar:

ClinVar aggregate classification (germline): Uncertain significance (1 of 4 stars; one submission).

Conditions:
Inborn genetic diseases. Identifiers: MedGen C0950123, MeSH D030342.

gnomAD v4.1: 2 of 1,560,896 alleles (0.00013%); highest among the groups gnomAD compares: South Asian, 0.0012%; no homozygotes.

Submission:

Ambry Genetics
Classification: Uncertain significance for Inborn genetic diseases. Last evaluated: 2025-12-13. Review status: criteria provided, single submitter. Criteria: Ambry Variant Classification Scheme 2023. Collection method: clinical testing. Allele origin: germline.
Comment: The p.G135R variant (also known as c.403G>A), located in coding exon 2 of the GATA2 gene, results from a G to A substitution at nucleotide position 403. The glycine at codon 135 is replaced by arginine, an amino acid with dissimilar properties. This amino acid position is conserved. In addition, the in silico prediction for this alteration is inconclusive. Based on the available evidence, the clinical significance of this variant remains unclear.

NM_032638.5(GATA2):c.403G>A (p.Gly135Arg)

Gene: GATA2 (GATA binding protein 2; minus strand). Cytogenetic location: 3q21.3.
Variant type: single nucleotide variant.
Coding change: c.403G>A on transcript NM_032638.5 (MANE Select); coding-DNA position 403, G replaced by A.
Protein change: p.Gly135Arg; replaces glycine 135 with arginine.
Molecular consequence: missense variant.
Genome position (GRCh38, 1-based): chr3:128,486,195, C>T on the plus strand (G>A on the coding strand, the complement: GATA2 is on the minus strand). VCF-style: chr3-128486195-C-T. GRCh37 (hg19) VCF-style: chr3-128205038-C-T.
Other names: c.403G>A, p.Gly135Arg (NM_001145661.2, NM_001145662.1); short protein forms G135R.
Identifiers: ClinVar variation 4620651 (VCV004620651.1).
Genomic context (GRCh38, chr3:128,486,195, plus strand): 5'-AGCTCCCGCTGCCTCCCCCGCTCCCACCCCCAGCCCCTGGGTACACAGAGAGTGGGCCTC[C>T]AGGGCCTCCAGCAGCTGAGGGGTGCAGTGGCGTCTTGGAGAAGGGGCTCACGGTCCAGGG-3'
Protein context (NP_116027.2, residues 125-145): PLHPSAAGGP[Gly135Arg]GPLSVYPGAG